The following is an entry in ClinVar:

ClinVar aggregate classification (germline): Uncertain significance (1 of 4 stars; one submission).

Submission:

GeneDx
Classification: Uncertain significance. Last evaluated: 2025-06-09. Review status: criteria provided, single submitter. Criteria: GeneDx Variant Classification Process June 2021. Collection method: clinical testing. Allele origin: germline. Affected: yes.
Comment: Not observed at significant frequency in large population cohorts (gnomAD); In silico analysis suggests that this missense variant does not alter protein structure/function; Has not been previously published as pathogenic or benign to our knowledge

NM_001693.4(ATP6V1B2):c.886A>C (p.Ile296Leu)

Gene: ATP6V1B2 (ATPase H+ transporting V1 subunit B2; plus strand). Cytogenetic location: 8p21.3.
Variant type: single nucleotide variant.
Coding change: c.886A>C on transcript NM_001693.4 (MANE Select); coding-DNA position 886, A replaced by C.
Protein change: p.Ile296Leu; replaces isoleucine 296 with leucine.
Molecular consequence: missense variant.
Genome position (GRCh38, 1-based): chr8:20,212,864, A>C. VCF-style: chr8-20212864-A-C. GRCh37 (hg19) VCF-style: chr8-20070375-A-C.
Other names: short protein forms I296L.
Identifiers: ClinVar variation 4537644 (VCV004537644.1).